The following is an entry in ClinVar:

NM_002458.3(MUC5B):c.3444G>A (p.Pro1148=)

Gene: MUC5B (mucin 5B, oligomeric mucus/gel-forming; plus strand). Cytogenetic location: 11p15.5.
Variant type: single nucleotide variant.
Coding change: c.3444G>A on transcript NM_002458.3 (MANE Select); coding-DNA position 3444, G replaced by A.
Protein change: p.Pro1148=; no amino-acid change (proline 1148 retained).
Molecular consequence: synonymous variant.
Genome position (GRCh38, 1-based): chr11:1,239,017, G>A. VCF-style: chr11-1239017-G-A. GRCh37 (hg19) VCF-style: chr11-1260247-G-A.
Identifiers: ClinVar variation 4982419 (VCV004982419.1).

ClinVar aggregate classification (germline): Likely benign (1 of 4 stars; one submission).

Conditions:
MUC5B-related disorder. Also called: MUC5B-related condition.

gnomAD v4.1: 60 of 1,571,228 alleles (0.0038%); highest among the groups gnomAD compares: African/African-American, 0.04%; 1 homozygote.

Submission:

PreventionGenetics, part of Exact Sciences
Classification: Likely benign for MUC5B-related condition. Last evaluated: 2026-07-17. Review status: criteria provided, single submitter. Criteria: ACMG Guidelines, 2015. Collection method: clinical testing. Allele origin: germline.
Comment: This variant is classified as likely benign based on ACMG/AMP sequence variant interpretation guidelines (Richards et al. 2015 PMID: 25741868, with internal and published modifications).